The following is an entry in ClinVar:

ClinVar aggregate classification (germline): Benign. Review status: criteria provided, multiple submitters, no conflicts (2 of 4 stars). 3 submissions from 3 submitters: Benign (2). 1 of the submissions does not count toward it. Last evaluated 2026-01-28.

Conditions:
TRPV6-related disorder. Also called: TRPV6-related condition.

Allele frequency attached by ClinVar (database versions not stated): gnomAD exomes 0.00031 and 0.00056; ExAC 0.00049; gnomAD 0.00181 and 0.00194; TOPMed 0.00219; 1000 Genomes Project 0.00240; 1000 Genomes Project 30x 0.00250; ESP Exome Variant Server 0.00254.
gnomAD v4.1: 732 of 1,614,216 alleles (0.045%); highest among the groups gnomAD compares: African/African-American, 0.61%; 2 homozygotes.

Submissions (3):

Labcorp Genetics (formerly Invitae), Labcorp
Classification: Benign. Last evaluated: 2026-01-28. Review status: criteria provided, single submitter. Criteria: Invitae Variant Classification Sherloc (09022015). Collection method: clinical testing. Allele origin: germline.

Breakthrough Genomics
Classification: Benign. Review status: criteria provided, single submitter. Criteria: ACMG Guidelines, 2015. Collection method: not provided. Allele origin: germline. Inheritance: Autosomal recessive inheritance. Affected: yes.

PreventionGenetics, part of Exact Sciences
Classification: Likely benign for TRPV6-related condition. Last evaluated: 2019-04-09. Review status: no assertion criteria provided. Collection method: clinical testing. Allele origin: germline. Not counted in ClinVar's aggregate classification.
Comment: This variant is classified as likely benign based on ACMG/AMP sequence variant interpretation guidelines (Richards et al. 2015 PMID: 25741868, with internal and published modifications).

NM_018646.6(TRPV6):c.1764C>T (p.Asn588=)

Gene: TRPV6 (transient receptor potential cation channel subfamily V member 6; minus strand). Cytogenetic location: 7q34.
Variant type: single nucleotide variant.
Coding change: c.1764C>T on transcript NM_018646.6 (MANE Select); coding-DNA position 1764, C replaced by T.
Protein change: p.Asn588=; no amino-acid change (asparagine 588 retained).
Molecular consequence: synonymous variant.
Genome position (GRCh38, 1-based): chr7:142,873,592, G>A on the plus strand (C>T on the coding strand, the complement: TRPV6 is on the minus strand). VCF-style: chr7-142873592-G-A. GRCh37 (hg19) VCF-style: chr7-142571345-G-A.
Identifiers: ClinVar variation 730573 (VCV000730573.8), dbSNP rs4987671, ClinGen allele CA4532412.